The following is an entry in ClinVar:

ClinVar aggregate classification (germline): Uncertain significance. Review status: criteria provided, multiple submitters, no conflicts (2 of 4 stars). 2 submissions from 2 submitters: Uncertain significance (2). Last evaluated 2025-03-17.

Conditions:
Inborn genetic diseases. Identifiers: MedGen C0950123, MeSH D030342.

Allele frequency attached by ClinVar (database versions not stated): gnomAD exomes 0.00001; TOPMed 0.00003; ESP Exome Variant Server 0.00008; gnomAD 0.00004 and 0.00003.
gnomAD v4.1: 21 of 1,613,480 alleles (0.0013%); highest among the groups gnomAD compares: African/African-American, 0.0027%; no homozygotes.

Submissions (2):

Ambry Genetics
Classification: Uncertain significance for Inborn genetic diseases. Last evaluated: 2025-03-17. Review status: criteria provided, single submitter. Criteria: Ambry Variant Classification Scheme 2023. Collection method: clinical testing. Allele origin: germline.

Labcorp Genetics (formerly Invitae), Labcorp
Classification: Uncertain significance. Last evaluated: 2021-09-01. Review status: criteria provided, single submitter. Criteria: Invitae Variant Classification Sherloc (09022015). Collection method: clinical testing. Allele origin: germline.
Comment: This sequence change replaces proline with serine at codon 173 of the LRAT protein (p.Pro173Ser). The proline residue is highly conserved and there is a moderate physicochemical difference between proline and serine. This variant is not present in population databases (ExAC no frequency). This variant has not been reported in the literature in individuals affected with LRAT-related conditions. Algorithms developed to predict the effect of missense changes on protein structure and function output the following: SIFT: "Deleterious"; PolyPhen-2: "Benign"; Align-GVGD: "Class C0". The serine amino acid residue is found in multiple mammalian species, which suggests that this missense change does not adversely affect protein function. In summary, the available evidence is currently insufficient to determine the role of this variant in disease. Therefore, it has been classified as a Variant of Uncertain Significance.

NM_004744.5(LRAT):c.517C>T (p.Pro173Ser)

Gene: LRAT (lecithin retinol acyltransferase; plus strand). Cytogenetic location: 4q32.1.
Variant type: single nucleotide variant.
Coding change: c.517C>T on transcript NM_004744.5 (MANE Select); coding-DNA position 517, C replaced by T.
Protein change: p.Pro173Ser; replaces proline 173 with serine.
Molecular consequence: missense variant.
Genome position (GRCh38, 1-based): chr4:154,744,843, C>T. VCF-style: chr4-154744843-C-T. GRCh37 (hg19) VCF-style: chr4-155665995-C-T.
Other names: c.517C>T, p.Pro173Ser (NM_001301645.2); c.517C>T (NM_004744.3); short protein forms P173S.
Identifiers: ClinVar variation 839771 (VCV000839771.8), dbSNP rs145355018, ClinGen allele CA108930226.